The following is an entry in ClinVar:

NM_144997.7(FLCN):c.592G>A (p.Asp198Asn)

Gene: FLCN (folliculin; minus strand). Cytogenetic location: 17p11.2.
Variant type: single nucleotide variant.
Coding change: c.592G>A on transcript NM_144997.7 (MANE Select); coding-DNA position 592, G replaced by A.
Protein change: p.Asp198Asn; replaces aspartic acid 198 with asparagine.
Molecular consequence: missense variant.
Genome position (GRCh38, 1-based): chr17:17,223,948, C>T on the plus strand (G>A on the coding strand, the complement: FLCN is on the minus strand). VCF-style: chr17-17223948-C-T. GRCh37 (hg19) VCF-style: chr17-17127262-C-T.
Other names: p.Asp198Asn; c.592G>A (LRG_325t1); c.646G>A, p.Asp216Asn (NM_001353229.2); c.592G>A, p.Asp198Asn (NM_001353230.2, NM_001353231.2, NM_144606.7); short protein forms D198N, D216N.
Identifiers: ClinVar variation 134426 (VCV000134426.35), dbSNP rs200168437, ClinGen allele CA159773.

ClinVar aggregate classification (germline): Conflicting classifications of pathogenicity. Review status: criteria provided, conflicting classifications (1 of 4 stars). 14 submissions from 13 submitters: Uncertain significance (4); Benign (2); Likely benign (4). 4 of the submissions do not count toward it. Last evaluated 2026-02-03.

Conditions:
Birt-Hogg-Dube syndrome 1 (BHD1). Also called: FIBROFOLLICULOMAS WITH TRICHODISCOMAS AND ACROCHORDONS. Identifiers: Orphanet 122, MedGen CN375946, MONDO:0800445, OMIM 135150.
FLCN-related disorder. Also called: FLCN-related condition.
Hereditary cancer-predisposing syndrome. Also called: Tumor predisposition; Hereditary neoplastic syndrome; Neoplastic Syndromes, Hereditary; Hereditary Cancer Syndrome. Identifiers: Orphanet 140162, MedGen C0027672, MeSH D009386, MONDO:0015356.
Familial spontaneous pneumothorax (PSP). Identifiers: Orphanet 2903, MedGen C1868193, MONDO:0008259, OMIM 173600.
Birt-Hogg-Dube syndrome. Also called: Birt Hogg Dubé syndrome. Identifiers: Orphanet 122, MedGen C0346010, MONDO:0800444.

Allele frequency attached by ClinVar (database versions not stated): gnomAD 0.00019; TOPMed 0.00021; gnomAD exomes 0.00033.
gnomAD v4.1: 494 of 1,613,400 alleles (0.031%); highest among the groups gnomAD compares: Non-Finnish European, 0.039%; 1 homozygote.

Submissions (14):

Labcorp Genetics (formerly Invitae), Labcorp
Classification: Likely benign for Birt-Hogg-Dube syndrome. Last evaluated: 2026-02-03. Review status: criteria provided, single submitter. Criteria: Invitae Variant Classification Sherloc (09022015). Collection method: clinical testing. Allele origin: germline.

Mayo Clinic Laboratories, Mayo Clinic
Classification: Uncertain significance. Last evaluated: 2025-10-15. Review status: criteria provided, single submitter. Criteria: ACMG Guidelines, 2015. Collection method: clinical testing. Allele origin: germline. Observed: 1 variant allele.
Comment: BP4

Center for Genomic Medicine, Rigshospitalet, Copenhagen University Hospital
Classification: Uncertain significance. Last evaluated: 2025-03-04. Review status: criteria provided, single submitter. Criteria: ACMG Guidelines, 2015. Collection method: clinical testing. Allele origin: germline.

Myriad Genetics, Inc.
Classification: Likely benign for Birt-Hogg-Dube syndrome 1. Last evaluated: 2024-10-23. Review status: criteria provided, single submitter. Criteria: Myriad Autosomal Dominant, Autosomal Recessive and X-Linked Classification Criteria (2023). Collection method: clinical testing. Allele origin: unknown.
Comment: This variant is considered likely benign. This variant has been observed at a population frequency that is significantly greater than expected given the associated disease prevalence and penetrance.

Institute for Clinical Genetics, University Hospital TU Dresden, University Hospital TU Dresden
Classification: Uncertain significance. Last evaluated: 2021-11-03. Review status: criteria provided, single submitter. Criteria: ACMG Guidelines, 2015. Collection method: clinical testing. Allele origin: germline.

Sema4
Classification: Likely benign for Hereditary cancer-predisposing syndrome. Last evaluated: 2020-11-11. Review status: criteria provided, single submitter. Criteria: Sema4 Curation Guidelines. Collection method: curation. Allele origin: germline.

GeneDx
Classification: Likely benign. Last evaluated: 2020-10-05. Review status: criteria provided, single submitter. Criteria: GeneDx Variant Classification Process June 2021. Collection method: clinical testing. Allele origin: germline. Affected: yes.
Comment: This variant is associated with the following publications: (PMID: 24728327)

Illumina Laboratory Services, Illumina
Classification: Uncertain significance for Familial spontaneous pneumothorax. Last evaluated: 2018-01-13. Review status: criteria provided, single submitter. Criteria: ICSL Variant Classification Criteria 13 December 2019. Collection method: clinical testing. Allele origin: germline.

Illumina Laboratory Services, Illumina
Classification: Benign for Birt-Hogg-Dube syndrome 1. Last evaluated: 2018-01-13. Review status: criteria provided, single submitter. Criteria: ICSL Variant Classification Criteria 13 December 2019. Collection method: clinical testing. Allele origin: germline.
Comment: This variant was observed in the ICSL laboratory as part of a predisposition screen in an ostensibly healthy population. It had not been previously curated by ICSL or reported in the Human Gene Mutation Database (HGMD: prior to June 1st, 2018), and was therefore a candidate for classification through an automated scoring system. Utilizing variant allele frequency, disease prevalence and penetrance estimates, and inheritance mode, an automated score was calculated to assess if this variant is too frequent to cause the disease. Based on the score and internal cut-off values, a variant classified as benign is not then subjected to further curation. The score for this variant resulted in a classification of benign for this disease.

Ambry Genetics
Classification: Benign for Hereditary cancer-predisposing syndrome. Last evaluated: 2017-02-13. Review status: criteria provided, single submitter. Criteria: Ambry Variant Classification Scheme 2023. Collection method: clinical testing. Allele origin: germline.

PreventionGenetics, part of Exact Sciences
Classification: Likely benign for FLCN-related condition. Last evaluated: 2023-04-13. Review status: no assertion criteria provided. Collection method: clinical testing. Allele origin: germline. Not counted in ClinVar's aggregate classification.
Comment: This variant is classified as likely benign based on ACMG/AMP sequence variant interpretation guidelines (Richards et al. 2015 PMID: 25741868, with internal and published modifications).

ITMI
No classification provided. Condition: AllHighlyPenetrant. Last evaluated: 2013-09-19. Review status: no classification provided. Collection method: reference population. Allele origin: germline. Not counted in ClinVar's aggregate classification.
Comment: Please see associated publication for description of ethnicities

Diagnostic Laboratory, Department of Genetics, University Medical Center Groningen
Classification: Likely benign. Review status: no assertion criteria provided. Collection method: clinical testing. Allele origin: germline. Affected: yes. Study: VKGL Data-share Consensus. Not counted in ClinVar's aggregate classification.

Genome Diagnostics Laboratory, Amsterdam University Medical Center
Classification: Likely benign. Review status: no assertion criteria provided. Collection method: clinical testing. Allele origin: germline. Affected: yes. Study: VKGL Data-share Consensus. Not counted in ClinVar's aggregate classification.

Literature cited by the submitters: PubMed 34130653 (cited by Center for Genomic Medicine, Rigshospitalet, Copenhagen University Hospital); PubMed 24728327 (cited by ITMI).